The following is an entry in ClinVar:

NM_001733.7(C1R):c.1343T>C (p.Leu448Ser)

Gene: C1R (complement C1r; minus strand). Cytogenetic location: 12p13.31.
Variant type: single nucleotide variant.
Coding change: c.1343T>C on transcript NM_001733.7 (MANE Select); coding-DNA position 1343, T replaced by C.
Protein change: p.Leu448Ser; replaces leucine 448 with serine.
Molecular consequence: missense variant.
Genome position (GRCh38, 1-based): chr12:7,082,037, A>G on the plus strand (T>C on the coding strand, the complement: C1R is on the minus strand). VCF-style: chr12-7082037-A-G. GRCh37 (hg19) VCF-style: chr12-7189341-A-G.
Other names: c.1385T>C, p.Leu462Ser (NM_001354346.2); short protein forms L448S, L462S.
Identifiers: ClinVar variation 4853145 (VCV004853145.1).

ClinVar aggregate classification (germline): Likely benign (1 of 4 stars; one submission).

Submission:

Women's Health and Genetics/Laboratory Corporation of America, LabCorp
Classification: Likely benign. Last evaluated: 2026-05-13. Review status: criteria provided, single submitter. Criteria: LabCorp Variant Classification Summary - May 2015. Collection method: clinical testing. Allele origin: germline.
Comment: Variant summary: C1R c.1343T>C (p.Val448Ala) results in a non-conservative amino acid change in the encoded protein sequence. Algorithms developed to predict the effect of missense changes on protein structure and function are either unavailable or do not agree on the potential impact of this missense change. The variant allele was found at a frequency of 8.8e-05 in 249358 control chromosomes, predominantly at a frequency of 0.00019 within the Non-Finnish European subpopulation in the gnomAD database. The observed variant frequency within Non-Finnish European control individuals in the gnomAD database exceeds the estimated maximal expected allele frequency for disease-causing variants in C1R. To our knowledge, no occurrence of c.1343T>C in individuals affected with C1R-related conditions and no experimental evidence demonstrating its impact on protein function have been reported. No submitters have cited clinical-significance assessments for this variant to ClinVar. Based on the evidence outlined above, the variant was classified as likely benign.